The following is an entry in ClinVar:

ClinVar aggregate classification (germline): Pathogenic (1 of 4 stars; one submission).

Submission:

Labcorp Genetics (formerly Invitae), Labcorp
Classification: Pathogenic. Last evaluated: 2025-01-27. Review status: criteria provided, single submitter. Criteria: Invitae Variant Classification Sherloc (09022015). Collection method: clinical testing. Allele origin: germline.
Comment: This sequence change creates a premature translational stop signal (p.Glu845*) in the MYH3 gene. It is expected to result in an absent or disrupted protein product. Loss-of-function variants in MYH3 are known to be pathogenic (PMID: 29805041, 30008475). Information on the frequency of this variant in the gnomAD database is not available, as this variant may be reported differently in the database. This variant has not been reported in the literature in individuals affected with MYH3-related conditions. For these reasons, this variant has been classified as Pathogenic.

Literature cited by the submitters: PubMed 29805041; PubMed 30008475.

NM_002470.4(MYH3):c.2532_2533delinsGT (p.Glu845Ter)

Gene: MYH3 (myosin heavy chain 3; minus strand). Cytogenetic location: 17p13.1.
Variant type: Indel.
Coding change: c.2532_2533delinsGT on transcript NM_002470.4 (MANE Select); coding-DNA positions 2532 to 2533, AG replaced by GT.
Protein change: p.Glu845Ter; replaces glutamic acid 845 with a stop codon.
Molecular consequence: nonsense.
Genome position (GRCh38, 1-based): chr17:10,640,145-10,640,146, CT replaced by AC on the plus strand (AG replaced by GT on the coding strand, the reverse complement: MYH3 is on the minus strand). VCF-style: chr17-10640145-CT-AC. GRCh37 (hg19) VCF-style: chr17-10543462-CT-AC.
Other names: short protein forms E845*.
Identifiers: ClinVar variation 4711922 (VCV004711922.1).
Genomic context (GRCh38, chr17:10,640,145, plus strand): 5'-CGAGTTCATCTTTGGTTTTCTGGAATTCTTCCTTCATGGTGGCCATCTCTTTCTCAGTCT[CT>AC]GCACTCTTGAGGAGGGGCTTGATCTTGAAGAAGAGTTTCATCCAGGGCCAGTGCTTGACG-3'